The following is an entry in ClinVar:

NM_182961.4(SYNE1):c.22972A>G (p.Ser7658Gly)

Gene: SYNE1 (spectrin repeat containing nuclear envelope protein 1; minus strand). Cytogenetic location: 6q25.2.
Variant type: single nucleotide variant.
Coding change: c.22972A>G on transcript NM_182961.4 (MANE Select); coding-DNA position 22972, A replaced by G.
Protein change: p.Ser7658Gly; replaces serine 7658 with glycine.
Molecular consequence: missense variant.
Genome position (GRCh38, 1-based): chr6:152,206,215, T>C on the plus strand (A>G on the coding strand, the complement: SYNE1 is on the minus strand). VCF-style: chr6-152206215-T-C. GRCh37 (hg19) VCF-style: chr6-152527350-T-C.
Other names: c.22759A>G, p.Ser7587Gly (NM_033071.5); short protein forms S7658G, S7587G.
Identifiers: ClinVar variation 805566 (VCV000805566.5), dbSNP rs1438394866, ClinGen allele CA366094698.

ClinVar aggregate classification (germline): Uncertain significance. Review status: criteria provided, multiple submitters, no conflicts (2 of 4 stars). 3 submissions from 3 submitters: Uncertain significance (3). Last evaluated 2019-06-28.

Allele frequency attached by ClinVar (database versions not stated): gnomAD exomes below 0.00001.
gnomAD v4.1: 1 of 1,613,900 alleles (0.000062%); no homozygotes.

Submissions (3):

Revvity Omics, Revvity
Classification: Uncertain significance. Last evaluated: 2019-06-28. Review status: criteria provided, single submitter. Criteria: ACMG Guidelines, 2015. Collection method: clinical testing. Allele origin: germline.

GeneDx
Classification: Uncertain significance. Last evaluated: 2019-06-25. Review status: criteria provided, single submitter. Criteria: GeneDx Variant Classification Process June 2021. Collection method: clinical testing. Allele origin: germline. Affected: yes.
Comment: Has not been previously published as pathogenic or benign to our knowledge; Not observed at a significant frequency in large population cohorts (Lek et al., 2016); In silico analysis, which includes protein predictors and evolutionary conservation, supports a deleterious effect

Athena Diagnostics
Classification: Uncertain significance. Last evaluated: 2019-06-03. Review status: criteria provided, single submitter. Criteria: Athena Diagnostics Criteria. Collection method: clinical testing. Allele origin: germline.